The following is an entry in ClinVar:

NM_205861.3(DHDDS):c.631_632insAGTGTGTATAAGAGACA (p.Arg211delinsGlnCysValTer)

Gene: DHDDS (dehydrodolichyl diphosphate synthase subunit; plus strand). Cytogenetic location: 1p36.11.
Variant type: Insertion.
Coding change: c.631_632insAGTGTGTATAAGAGACA on transcript NM_205861.3 (MANE Select); coding-DNA positions 631 to 632, AGTGTGTATAAGAGACA inserted.
Protein change: p.Arg211delinsGlnCysValTer.
Molecular consequence: nonsense.
Genome position: GRCh38 VCF-style: chr1-26457879-C-CAGTGTGTATAAGAGACA. GRCh37 (hg19) VCF-style: chr1-26784370-C-CAGTGTGTATAAGAGACA.
Other names: c.529_530insAGTGTGTATAAGAGACA, p.Arg177delinsGlnCysValTer (NM_001243564.2); c.514_515insAGTGTGTATAAGAGACA, p.Arg172delinsGlnCysValTer (NM_001243565.2); c.352_353insAGTGTGTATAAGAGACA, p.Arg118delinsGlnCysValTer (NM_001319959.2); c.631_632insAGTGTGTATAAGAGACA, p.Arg211delinsGlnCysValTer (NM_024887.4).
Identifiers: ClinVar variation 5010954 (VCV005010954.1).

ClinVar aggregate classification (germline): Pathogenic (1 of 4 stars; one submission).

Conditions:
Retinitis pigmentosa 59 (RP59). Identifiers: Orphanet 791, MedGen C3151227, MONDO:0013468, OMIM 613861.

Submission:

Myriad Genetics, Inc.
Classification: Pathogenic for Retinitis pigmentosa 59. Last evaluated: 2024-05-14. Review status: criteria provided, single submitter. Criteria: Myriad Autosomal Dominant, Autosomal Recessive and X-Linked Classification Criteria (2023). Collection method: clinical testing. Allele origin: unknown.
Comment: NM_024887.3(DHDDS):c.631_632ins17(R211Qfs*4) is expected to be pathogenic in the context of retinitis pigmentosa, DHDDS-related. This variant is predicted to lead to an abnormal or absent protein product due to the creation of a premature termination codon in DHDDS, a gene where loss-of-function variants are known to be pathogenic. Please note: this variant was assessed in the context of healthy population screening.